The following is an entry in ClinVar:

ClinVar aggregate classification (germline): Likely pathogenic (1 of 4 stars; one submission).

Conditions:
Epilepsy, familial focal, with variable foci 1 (FFEVF1). Also called: DEPDC5-Related Epilepsy. Identifiers: MedGen C4551983, MONDO:0024556, OMIM 604364.

Submission:

Institute of Human Genetics, University of Goettingen
Classification: Likely pathogenic for Epilepsy, familial focal, with variable foci 1. Last evaluated: 2025-09-22. Review status: criteria provided, single submitter. Criteria: ACMG Guidelines, 2015. Collection method: clinical testing. Allele origin: germline. Inheritance: Autosomal dominant inheritance. Affected: yes. Observed: 1 heterozygote.
Comment: The identified variant in the DEPDC5 gene is classified as likely pathogenic. It is absent from the gnomAD database and is currently not listed in ClinVar or HGMD [PM2_SUP]. The variant is predicted to result in a truncated protein [PVS1], and this mutation type is known to be pathogenic in the context of the associated disorder. The molecular findings are consistent with aspects of the patient's clinical phenotype. ACMG criteria used for classification: PVS1, PM2_SUP.

NM_001242896.3(DEPDC5):c.4387G>T (p.Glu1463Ter)

Gene: DEPDC5 (DEP domain containing 5, GATOR1 subcomplex subunit; plus strand). Cytogenetic location: 22q12.3.
Variant type: single nucleotide variant.
Coding change: c.4387G>T on transcript NM_001242896.3 (MANE Select); coding-DNA position 4387, G replaced by T.
Protein change: p.Glu1463Ter; replaces glutamic acid 1463 with a stop codon.
Molecular consequence: nonsense. On other transcripts: non-coding transcript variant (5).
Genome position (GRCh38, 1-based): chr22:31,901,753, G>T. VCF-style: chr22-31901753-G-T. GRCh37 (hg19) VCF-style: chr22-32297739-G-T.
Other names: c.4360G>T, p.Glu1454Ter (NM_001136029.4); c.4087G>T, p.Glu1363Ter (NM_001242897.2); c.4321G>T, p.Glu1441Ter (NM_001363852.2, NM_001364320.2); c.4153G>T, p.Glu1385Ter (NM_001363854.2, NM_001364319.2); c.4387G>T, p.Glu1463Ter (NM_001364318.2); c.4303G>T, p.Glu1435Ter (NM_001369901.1, NM_001369902.1); c.4294G>T, p.Glu1432Ter (NM_001369903.1, NM_014662.6); short protein forms E1363*, E1385*, E1432*, E1435*, E1441*, E1454*, E1463*.
Identifiers: ClinVar variation 4280656 (VCV004280656.1).
Genomic context (GRCh38, chr22:31,901,753, plus strand): 5'-TACAAACCTTGTGATCACAACCCAATATTTATTCTTATTTTCCTTTCAGGCTTTGAACCC[G>T]AAACGTACTGGGATCGAATGCACCTCTTCCAGGAAGCCATTGCACACAGGTTTGTCCCTT-3'